The following is an entry in ClinVar:

ClinVar aggregate classification (germline): Likely benign. Review status: criteria provided, single submitter (1 of 4 stars). 2 submissions from 2 submitters: Likely benign (1). 1 of the submissions does not count toward it. Last evaluated 2024-10-07.

Conditions:
PLXNA1-related disorder. Also called: PLXNA1-related condition.

Allele frequency attached by ClinVar (database versions not stated): gnomAD exomes 0.00004; ExAC 0.00005; gnomAD 0.00027; TOPMed 0.00043.
gnomAD v4.1: 100 of 1,609,106 alleles (0.0062%); highest among the groups gnomAD compares: Admixed American, 0.11%; 1 homozygote.

Submissions (2):

Labcorp Genetics (formerly Invitae), Labcorp
Classification: Likely benign. Last evaluated: 2024-10-07. Review status: criteria provided, single submitter. Criteria: Invitae Variant Classification Sherloc (09022015). Collection method: clinical testing. Allele origin: germline.

PreventionGenetics, part of Exact Sciences
Classification: Likely benign for PLXNA1-related condition. Last evaluated: 2021-08-19. Review status: no assertion criteria provided. Collection method: clinical testing. Allele origin: germline. Not counted in ClinVar's aggregate classification.
Comment: This variant is classified as likely benign based on ACMG/AMP sequence variant interpretation guidelines (Richards et al. 2015 PMID: 25741868, with internal and published modifications).

NM_032242.4(PLXNA1):c.4773+9C>T

Gene: PLXNA1 (plexin A1; plus strand). Cytogenetic location: 3q21.3.
Variant type: single nucleotide variant.
Coding change: c.4773+9C>T on transcript NM_032242.4 (MANE Select); 9 bases into the intron after coding-DNA position 4773, C replaced by T.
Molecular consequence: intron variant.
Genome position (GRCh38, 1-based): chr3:127,029,105, C>T. VCF-style: chr3-127029105-C-T. GRCh37 (hg19) VCF-style: chr3-126747948-C-T.
Other names: c.4773+9C>T (NM_032242.3).
Identifiers: ClinVar variation 2896352 (VCV002896352.5), dbSNP rs758838580, ClinGen allele CA2594482.